The following is an entry in ClinVar:

ClinVar aggregate classification (germline): Uncertain significance. Review status: criteria provided, multiple submitters, no conflicts (2 of 4 stars). 2 submissions from 2 submitters: Uncertain significance (2). Last evaluated 2026-02-17.

Conditions:
Inborn genetic diseases. Identifiers: MedGen C0950123, MeSH D030342.

Allele frequency attached by ClinVar (database versions not stated): gnomAD 0.00001; gnomAD exomes 0.00001; ExAC 0.00002; TOPMed 0.00002.
gnomAD v4.1: 16 of 1,177,266 alleles (0.0014%); highest among the groups gnomAD compares: Middle Eastern, 0.031%; no homozygotes.

Submissions (2):

Ambry Genetics
Classification: Uncertain significance for Inborn genetic diseases. Last evaluated: 2026-02-17. Review status: criteria provided, single submitter. Criteria: Ambry Variant Classification Scheme 2023. Collection method: clinical testing. Allele origin: germline.

Labcorp Genetics (formerly Invitae), Labcorp
Classification: Uncertain significance. Last evaluated: 2022-12-23. Review status: criteria provided, single submitter. Criteria: Invitae Variant Classification Sherloc (09022015). Collection method: clinical testing. Allele origin: germline.
Comment: In summary, the available evidence is currently insufficient to determine the role of this variant in disease. Therefore, it has been classified as a Variant of Uncertain Significance. Algorithms developed to predict the effect of missense changes on protein structure and function are either unavailable or do not agree on the potential impact of this missense change (SIFT: "Deleterious"; PolyPhen-2: "Probably Damaging"; Align-GVGD: "Class C0"). This variant has not been reported in the literature in individuals affected with ALAS2-related conditions. The frequency data for this variant in the population databases is considered unreliable, as metrics indicate poor data quality at this position in the gnomAD database. This sequence change replaces arginine, which is basic and polar, with tryptophan, which is neutral and slightly polar, at codon 479 of the ALAS2 protein (p.Arg479Trp).

NM_000032.5(ALAS2):c.1435C>T (p.Arg479Trp)

Gene: ALAS2 (5'-aminolevulinate synthase 2; minus strand). Cytogenetic location: Xp11.21.
Variant type: single nucleotide variant.
Coding change: c.1435C>T on transcript NM_000032.5 (MANE Select); coding-DNA position 1435, C replaced by T.
Protein change: p.Arg479Trp; replaces arginine 479 with tryptophan.
Molecular consequence: missense variant.
Genome position (GRCh38, 1-based): chrX:55,014,749, G>A on the plus strand (C>T on the coding strand, the complement: ALAS2 is on the minus strand). VCF-style: chrX-55014749-G-A. GRCh37 (hg19) VCF-style: chrX-55041182-G-A.
Other names: c.1435C>T (NM_000032.4); c.1324C>T, p.Arg442Trp (NM_001037967.4); c.1396C>T, p.Arg466Trp (NM_001037968.4); short protein forms R442W, R479W, R466W.
Identifiers: ClinVar variation 2719843 (VCV002719843.5), dbSNP rs776595485, ClinGen allele CA10428304.
Genomic context (GRCh38, chrX:55,014,749, plus strand): 5'-GCGTGAGGCTCCCAGAATAAATAGGTGGAGAGGGCAATGGGCATGGTGGGGCTCTCACCC[G>A]GATGGGGATGATGTGGCTGGGGCAGGGGATGACAGGAAGGCCCCTGTCCATGAGTAGCTG-3'
Protein context (NP_000023.2, residues 469-489): IPCPSHIIPI[Arg479Trp]VGNAALNSKL